The following is an entry in ClinVar:

ClinVar aggregate classification (germline): Pathogenic/Likely pathogenic. Review status: criteria provided, multiple submitters, no conflicts (2 of 4 stars). 8 submissions from 8 submitters: Pathogenic (3); Likely pathogenic (5). Last evaluated 2026-04-22.

Conditions:
Leukodystrophy, Adult-Onset. Identifiers: MedGen CN239186.
EIF2B5-related disorders.
Vanishing white matter disease. Also called: CACH syndrome; Childhood ataxia with diffuse central nervous system hypomyelination; Leukoencephalopathy with vanishing white matter; CACH/VWM syndrome; Cree leukoencehalopathy. Identifiers: Orphanet 135, Orphanet 99853, MedGen C1858991, MONDO:0800448.
Leukoencephalopathy with vanishing white matter 5 (VWM5). Also called: EIF2B5-Related Childhood Ataxia with Central Nervous System Hypomyelination/Vanishing White Matter; Leukoencephalopathy with vanishing white matter 5, with or without ovarian failure. Identifiers: MedGen C5779973, MONDO:0957873, OMIM 620315.

Allele frequency attached by ClinVar (database versions not stated): gnomAD 0.00001; TOPMed 0.00002; ESP Exome Variant Server 0.00008; 1000 Genomes Project 30x 0.00016; 1000 Genomes Project 0.00020.
gnomAD v4.1: 236 of 1,614,034 alleles (0.015%); highest among the groups gnomAD compares: Non-Finnish European, 0.02%; no homozygotes.

Submissions (8):

NHS Central & South Genomic Laboratory Hub
Classification: Likely pathogenic for Adult onset leukodystrophy. Last evaluated: 2026-04-22. Review status: criteria provided, single submitter. Criteria: ACMG Guidelines, 2015. Collection method: clinical testing. Allele origin: germline. Affected: yes.

Labcorp Genetics (formerly Invitae), Labcorp
Classification: Pathogenic. Last evaluated: 2026-01-19. Review status: criteria provided, single submitter. Criteria: Invitae Variant Classification Sherloc (09022015). Collection method: clinical testing. Allele origin: germline.
Comment: This sequence change replaces methionine, which is neutral and non-polar, with leucine, which is neutral and non-polar, at codon 305 of the EIF2B5 protein (p.Met305Leu). This variant is present in population databases (rs200143780, gnomAD 0.01%). This missense change has been observed in individual(s) with clinical features of EIF2B5-related conditions (PMID: 27651498, 28334938). In at least one individual the data is consistent with being in trans (on the opposite chromosome) from a pathogenic variant. ClinVar contains an entry for this variant (Variation ID: 1184948). Invitae Evidence Modeling of protein sequence and biophysical properties (such as structural, functional, and spatial information, amino acid conservation, physicochemical variation, residue mobility, and thermodynamic stability) indicates that this missense variant is not expected to disrupt EIF2B5 protein function with a negative predictive value of 80%. This variant disrupts the p.Met305 amino acid residue in EIF2B5. Other variant(s) that disrupt this residue have been determined to be pathogenic (PMID: 25761052, 25843247, 34745209). This suggests that this residue is clinically significant, and that variants that disrupt this residue are likely to be disease-causing. For these reasons, this variant has been classified as Pathogenic.

Women's Health and Genetics/Laboratory Corporation of America, LabCorp
Classification: Likely pathogenic for Vanishing white matter disease. Last evaluated: 2025-11-26. Review status: criteria provided, single submitter. Criteria: LabCorp Variant Classification Summary - May 2015. Collection method: clinical testing. Allele origin: germline.
Comment: Variant summary: EIF2B5 c.913A>T (p.Met305Leu) results in a conservative amino acid change in the encoded protein sequence. Algorithms developed to predict the effect of missense changes on protein structure and function are either unavailable or do not agree on the potential impact of this missense change. The variant allele was found at a frequency of 5.6e-05 in 251476 control chromosomes. This frequency is not significantly higher than estimated for disease-causing variants in EIF2B5, allowing no conclusion about variant significance. c.913A>T has been observed in individual(s) affected with Leukoencephalopathy With Vanishing White Matter (Ibitoye_2016, Lynch_2017, Slynko_2021). These data indicate that the variant may be associated with disease. To our knowledge, no experimental evidence demonstrating an impact on protein function has been reported. A different variant located at the same codon (c.915G>A, p.Met305Ile) has been classified as Pathogenic in ClinVar, supporting a critical relevance of this residue to EIF2B5 protein function. The following publications have been ascertained in the context of this evaluation (PMID: 27651498, 28334938, 33432707). ClinVar contains an entry for this variant (Variation ID: 1184948). Based on the evidence outlined above, the variant was classified as likely pathogenic.

Natera, Inc.
Classification: Likely pathogenic for Leukoencephalopathy with vanishing white matter. Last evaluated: 2025-03-11. Review status: criteria provided, single submitter. Criteria: Natera Variant Classification Schema (03/2026). Collection method: clinical testing. Allele origin: germline.
Comment: The c.913A>T variant in EIF2B5 is a missense variant predicted to cause substitution of methionine to leucine at amino acid 305. This variant is rare in the general population with a frequency below the threshold expected for the associated phenotype(s). This variant has been observed in one or more individuals affected with the associated recessive disease, as either homozygous or compound heterozygous with a second variant (PMID: 28334938, 27651498). A different variant at the same position has been determined to be Pathogenic or Likely Pathogenic. Computational prediction algorithms indicate this variant is likely to affect gene or protein function. Given the available evidence, this variant is classified as Likely Pathogenic.

Blueprint Genetics
Classification: Pathogenic for EIF2B5-related disorders. Last evaluated: 2024-04-25. Review status: criteria provided, single submitter. Criteria: ACMG Guidelines, 2015. Collection method: clinical testing. Allele origin: germline. Affected: yes. Observed: 5 variant alleles.

Fulgent Genetics
Classification: Likely pathogenic for Leukoencephalopathy with vanishing white matter 5. Last evaluated: 2024-03-05. Review status: criteria provided, single submitter. Criteria: ACMG Guidelines, 2015. Collection method: clinical testing. Allele origin: germline.

Mendelics
Classification: Pathogenic for Leukoencephalopathy with vanishing white matter 1. Last evaluated: 2022-05-04. Review status: criteria provided, single submitter. Criteria: Mendelics Assertion Criteria 2019. Collection method: clinical testing. Allele origin: germline.

Institute of Medical Genetics and Applied Genomics, University Hospital Tübingen
Classification: Likely pathogenic. Last evaluated: 2021-06-17. Review status: criteria provided, single submitter. Criteria: ACMG Guidelines, 2015. Collection method: clinical testing. Allele origin: germline. Inheritance: Autosomal recessive inheritance. Affected: yes.

Literature cited by the submitters: PubMed 27651498 (cited by 3 submitters); PubMed 28334938 (cited by 3 submitters); PubMed 25761052 (cited by Labcorp Genetics (formerly Invitae), Labcorp); PubMed 25843247 (cited by Labcorp Genetics (formerly Invitae), Labcorp); PubMed 34745209 (cited by Labcorp Genetics (formerly Invitae), Labcorp); PubMed 33432707 (cited by Women's Health and Genetics/Laboratory Corporation of America, LabCorp).

NM_003907.3(EIF2B5):c.913A>T (p.Met305Leu)

Gene: EIF2B5 (eukaryotic translation initiation factor 2B subunit epsilon; plus strand). Cytogenetic location: 3q27.1.
Variant type: single nucleotide variant.
Coding change: c.913A>T on transcript NM_003907.3 (MANE Select); coding-DNA position 913, A replaced by T.
Protein change: p.Met305Leu; replaces methionine 305 with leucine.
Molecular consequence: missense variant.
Genome position (GRCh38, 1-based): chr3:184,140,487, A>T. VCF-style: chr3-184140487-A-T. GRCh37 (hg19) VCF-style: chr3-183858275-A-T.
Other names: short protein forms M305L.
Identifiers: ClinVar variation 1184948 (VCV001184948.18), dbSNP rs200143780, ClinGen allele CA2726550.